The following is an entry in ClinVar:

ClinVar aggregate classification (germline): Conflicting classifications of pathogenicity. Review status: criteria provided, conflicting classifications (1 of 4 stars). 3 submissions from 3 submitters: Uncertain significance (1); Likely benign (2). Last evaluated 2026-08-01.

Conditions:
Neonatal diabetes mellitus with congenital hypothyroidism. Also called: NDH SYNDROME. Identifiers: Orphanet 79118, MedGen C1857775, MONDO:0012436, OMIM 610199.

Allele frequency attached by ClinVar (database versions not stated): 1000 Genomes Project 30x 0.00016; 1000 Genomes Project 0.00020; gnomAD 0.00057 and 0.00060; gnomAD exomes 0.00058; ESP Exome Variant Server 0.00069; ExAC 0.00073.
gnomAD v4.1: 959 of 1,596,562 alleles (0.06%); highest among the groups gnomAD compares: Non-Finnish European, 0.075%; 3 homozygotes.

Submissions (3):

CeGaT Center for Human Genetics Tuebingen
Classification: Likely benign. Last evaluated: 2026-08-01. Review status: criteria provided, single submitter. Criteria: CeGaT Center For Human Genetics Tuebingen Variant Classification Criteria Version 2. Collection method: clinical testing. Allele origin: germline. Affected: yes. Observed: 4 variant alleles.
Comment: GLIS3: BP4, BP7

Labcorp Genetics (formerly Invitae), Labcorp
Classification: Likely benign. Last evaluated: 2026-01-14. Review status: criteria provided, single submitter. Criteria: Invitae Variant Classification Sherloc (09022015). Collection method: clinical testing. Allele origin: germline.

Illumina Laboratory Services, Illumina
Classification: Uncertain significance for Neonatal diabetes mellitus with congenital hypothyroidism. Last evaluated: 2018-01-13. Review status: criteria provided, single submitter. Criteria: ICSL Variant Classification Criteria 13 December 2019. Collection method: clinical testing. Allele origin: germline.

NM_001042413.2(GLIS3):c.1452G>A (p.Gln484=)

Gene: GLIS3 (GLIS family zinc finger 3; minus strand). Cytogenetic location: 9p24.2.
Variant type: single nucleotide variant.
Coding change: c.1452G>A on transcript NM_001042413.2 (MANE Select); coding-DNA position 1452, G replaced by A.
Protein change: p.Gln484=; no amino-acid change (glutamine 484 retained).
Molecular consequence: synonymous variant.
Genome position (GRCh38, 1-based): chr9:4,118,026, C>T on the plus strand (G>A on the coding strand, the complement: GLIS3 is on the minus strand). VCF-style: chr9-4118026-C-T. GRCh37 (hg19) VCF-style: chr9-4118026-C-T.
Other names: c.987G>A, p.Gln329= (NM_152629.4).
Identifiers: ClinVar variation 366978 (VCV000366978.36), dbSNP rs143229804, ClinGen allele CA4968189.